The following is an entry in ClinVar:

ClinVar aggregate classification (germline): Uncertain significance (1 of 4 stars; one submission).

Allele frequency attached by ClinVar (database versions not stated): gnomAD exomes below 0.00001.

Submission:

Labcorp Genetics (formerly Invitae), Labcorp
Classification: Uncertain significance. Last evaluated: 2022-07-20. Review status: criteria provided, single submitter. Criteria: Invitae Variant Classification Sherloc (09022015). Collection method: clinical testing. Allele origin: germline.
Comment: This sequence change falls in intron 7 of the IFNAR2 gene. It does not directly change the encoded amino acid sequence of the IFNAR2 protein. It affects a nucleotide within the consensus splice site. This variant is present in population databases (no rsID available, gnomAD 0.003%). This variant has not been reported in the literature in individuals affected with IFNAR2-related conditions. ClinVar contains an entry for this variant (Variation ID: 1441970). Variants that disrupt the consensus splice site are a relatively common cause of aberrant splicing (PMID: 17576681, 9536098). Algorithms developed to predict the effect of sequence changes on RNA splicing suggest that this variant is not likely to affect RNA splicing. In summary, the available evidence is currently insufficient to determine the role of this variant in disease. Therefore, it has been classified as a Variant of Uncertain Significance.

Literature cited by the submitters: PubMed 17576681; PubMed 9536098.

NM_001289125.3(IFNAR2):c.709+4T>C

Genes: IFNAR2 (interferon alpha and beta receptor subunit 2; plus strand), IFNAR2-IL10RB (IFNAR2-IL10RB readthrough; plus strand). Cytogenetic location: 21q22.11.
Variant type: single nucleotide variant.
Coding change: c.709+4T>C on transcript NM_001289125.3 (MANE Select); 4 bases into the intron after coding-DNA position 709, T replaced by C.
Molecular consequence: intron variant.
Genome position (GRCh38, 1-based): chr21:33,252,834, T>C. VCF-style: chr21-33252834-T-C. GRCh37 (hg19) VCF-style: chr21-34625139-T-C.
Other names: c.709+4T>C (NM_000874.5, NM_001289128.2, NM_207584.3 and 4 more transcripts).
Identifiers: ClinVar variation 1441970 (VCV001441970.3), dbSNP rs925302431, ClinGen allele CA320124053.